The following is an entry in ClinVar:

ClinVar aggregate classification (germline): Conflicting classifications of pathogenicity. Review status: criteria provided, conflicting classifications (1 of 4 stars). 5 submissions from 5 submitters: Uncertain significance (1); Likely benign (4). Last evaluated 2025-09-08.

Conditions:
Epiphyseal dysplasia, multiple, 2 (EDM2). Also called: COL9A2-Related Multiple Epiphyseal Dysplasia. Identifiers: MedGen C1838429, MONDO:0010844, OMIM 600204.
COL9A2-related disorder. Also called: COL9A2-related condition.

Allele frequency attached by ClinVar (database versions not stated): gnomAD 0.00003; gnomAD exomes 0.00005 and 0.00012; ExAC 0.00006; TOPMed 0.00006.
gnomAD v4.1: 171 of 1,613,994 alleles (0.011%); highest among the groups gnomAD compares: Middle Eastern, 0.033%; no homozygotes.

Submissions (5):

Labcorp Genetics (formerly Invitae), Labcorp
Classification: Likely benign. Last evaluated: 2025-09-08. Review status: criteria provided, single submitter. Criteria: Invitae Variant Classification Sherloc (09022015). Collection method: clinical testing. Allele origin: germline.

PreventionGenetics, part of Exact Sciences
Classification: Likely benign for COL9A2-related condition. Last evaluated: 2024-10-07. Review status: criteria provided, single submitter. Criteria: ACMG Guidelines, 2015. Collection method: clinical testing. Allele origin: germline.
Comment: This variant is classified as likely benign based on ACMG/AMP sequence variant interpretation guidelines (Richards et al. 2015 PMID: 25741868, with internal and published modifications).

Blueprint Genetics
Classification: Likely benign. Last evaluated: 2024-04-29. Review status: criteria provided, single submitter. Criteria: ACMG Guidelines, 2015. Collection method: clinical testing. Allele origin: germline.

GeneDx
Classification: Likely benign. Last evaluated: 2021-06-01. Review status: criteria provided, single submitter. Criteria: GeneDx Variant Classification Process June 2021. Collection method: clinical testing. Allele origin: germline. Affected: yes.
Comment: See Variant Classification Assertion Criteria.

Illumina Laboratory Services, Illumina
Classification: Uncertain significance for Epiphyseal dysplasia, multiple, 2. Last evaluated: 2018-01-13. Review status: criteria provided, single submitter. Criteria: ICSL Variant Classification Criteria 13 December 2019. Collection method: clinical testing. Allele origin: germline.

NM_001852.4(COL9A2):c.741C>A (p.Gly247=)

Gene: COL9A2 (collagen type IX alpha 2 chain; minus strand). Cytogenetic location: 1p34.2.
Variant type: single nucleotide variant.
Coding change: c.741C>A on transcript NM_001852.4 (MANE Select); coding-DNA position 741, C replaced by A.
Protein change: p.Gly247=; no amino-acid change (glycine 247 retained).
Molecular consequence: synonymous variant.
Genome position (GRCh38, 1-based): chr1:40,310,162, G>T on the plus strand (C>A on the coding strand, the complement: COL9A2 is on the minus strand). VCF-style: chr1-40310162-G-T. GRCh37 (hg19) VCF-style: chr1-40775834-G-T.
Identifiers: ClinVar variation 297307 (VCV000297307.15), dbSNP rs747133313, ClinGen allele CA791767.